The following is an entry in ClinVar:

ClinVar aggregate classification (germline): Uncertain significance. Review status: criteria provided, multiple submitters, no conflicts (2 of 4 stars). 2 submissions from 2 submitters: Uncertain significance (2). Last evaluated 2025-02-10.

Conditions:
Familial adenomatous polyposis 1 (FAP1). Also called: POLYPOSIS, ADENOMATOUS INTESTINAL; FAMILIAL ADENOMATOUS POLYPOSIS 1, ATTENUATED. Identifiers: MedGen C2713442, MONDO:0021056, OMIM 175100. Disease mechanism: loss of function.

Submissions (2):

Labcorp Genetics (formerly Invitae), Labcorp
Classification: Uncertain significance for Familial adenomatous polyposis 1. Last evaluated: 2025-02-10. Review status: criteria provided, single submitter. Criteria: Invitae Variant Classification Sherloc (09022015). Collection method: clinical testing. Allele origin: germline.
Comment: This sequence change replaces lysine, which is basic and polar, with asparagine, which is neutral and polar, at codon 167 of the APC protein (p.Lys167Asn). This variant is not present in population databases (gnomAD no frequency). This variant has not been reported in the literature in individuals affected with APC-related conditions. Invitae Evidence Modeling of protein sequence and biophysical properties (such as structural, functional, and spatial information, amino acid conservation, physicochemical variation, residue mobility, and thermodynamic stability) indicates that this missense variant is not expected to disrupt APC protein function with a negative predictive value of 95%. In summary, the available evidence is currently insufficient to determine the role of this variant in disease. Therefore, it has been classified as a Variant of Uncertain Significance.

Blueprint Genetics
Classification: Uncertain significance. Last evaluated: 2021-04-08. Review status: criteria provided, single submitter. Criteria: ACMG Guidelines, 2015. Collection method: clinical testing. Allele origin: germline.

NM_000038.6(APC):c.501A>T (p.Lys167Asn)

Gene: APC (APC regulator of Wnt signaling pathway; plus strand). Cytogenetic location: 5q22.2.
Variant type: single nucleotide variant.
Coding change: c.501A>T on transcript NM_000038.6 (MANE Select); coding-DNA position 501, A replaced by T.
Protein change: p.Lys167Asn; replaces lysine 167 with asparagine.
Molecular consequence: missense variant. On other transcripts: 5 prime UTR variant (4), non-coding transcript variant (2).
Genome position (GRCh38, 1-based): chr5:112,775,707, A>T. VCF-style: chr5-112775707-A-T. GRCh37 (hg19) VCF-style: chr5-112111404-A-T.
Other names: c.501A>T, p.Lys167Asn (NM_001127510.3, NM_001354895.2, NM_001354896.2 and 16 more transcripts); c.531A>T, p.Lys177Asn (NM_001127511.3, NM_001354897.2, NM_001354902.2 and 1 more transcripts); c.426A>T, p.Lys142Asn (NM_001354898.2, NM_001354904.2, NM_001407451.1); c.324A>T, p.Lys108Asn (NM_001354900.2, NM_001354901.2, NM_001354905.2 and 1 more transcripts); c.-535A>T (NM_001354906.2, NM_001407470.1, NM_001407471.1 and 1 more transcripts); short protein forms K108N, K142N, K167N, K177N.
Identifiers: ClinVar variation 4801438 (VCV004801438.2).